The following is an entry in ClinVar:

NM_004360.5(CDH1):c.2446A>C (p.Lys816Gln)

Gene: CDH1 (cadherin 1; plus strand). Cytogenetic location: 16q22.1.
Variant type: single nucleotide variant.
Coding change: c.2446A>C on transcript NM_004360.5 (MANE Select); coding-DNA position 2446, A replaced by C.
Protein change: p.Lys816Gln; replaces lysine 816 with glutamine.
Molecular consequence: missense variant.
Genome position (GRCh38, 1-based): chr16:68,833,296, A>C. VCF-style: chr16-68833296-A-C. GRCh37 (hg19) VCF-style: chr16-68867199-A-C.
Other names: c.2263A>C, p.Lys755Gln (NM_001317184.2); c.898A>C, p.Lys300Gln (NM_001317185.2); c.481A>C, p.Lys161Gln (NM_001317186.2); short protein forms K755Q, K300Q, K816Q, K161Q.
Identifiers: ClinVar variation 4825318 (VCV004825318.1).

ClinVar aggregate classification (germline): Uncertain significance (1 of 4 stars; one submission).

Conditions:
Hereditary cancer-predisposing syndrome. Also called: Neoplastic Syndromes, Hereditary; Tumor predisposition; Hereditary Cancer Syndrome; Hereditary neoplastic syndrome. Identifiers: Orphanet 140162, MedGen C0027672, MeSH D009386, MONDO:0015356.

Submission:

Ambry Genetics
Classification: Uncertain significance for Hereditary cancer-predisposing syndrome. Last evaluated: 2026-02-03. Review status: criteria provided, single submitter. Criteria: Ambry Variant Classification Scheme 2023. Collection method: clinical testing. Allele origin: germline.
Comment: The p.K816Q variant (also known as c.2446A>C), located in coding exon 16 of the CDH1 gene, results from an A to C substitution at nucleotide position 2446. The lysine at codon 816 is replaced by glutamine, an amino acid with similar properties. This amino acid position is highly conserved in available vertebrate species. In addition, this alteration is predicted to be tolerated by in silico analysis. Based on the available evidence, the clinical significance of this variant remains unclear.